The following is an entry in ClinVar:

ClinVar aggregate classification (germline): Uncertain significance (1 of 4 stars; one submission).

Conditions:
Lymphedema-posterior choanal atresia syndrome. Identifiers: Orphanet 99141, MedGen C3150875, MONDO:0013324, OMIM 613611.

gnomAD v4.1: 26 of 1,613,888 alleles (0.0016%); highest among the groups gnomAD compares: Non-Finnish European, 0.0021%; no homozygotes.

Submission:

Clinical Genomics Laboratory, Washington University in St. Louis
Classification: Uncertain significance for Lymphedema-posterior choanal atresia syndrome. Last evaluated: 2026-04-10. Review status: criteria provided, single submitter. Criteria: ACMG Guidelines, 2015. Collection method: clinical testing. Allele origin: germline.
Comment: A PTPN14 c.1193A>G (p.Asn398Ser) variant was identified at a near heterozygous allelic fraction of 46.8%, a frequency which may be consistent with it being of germline origin. This variant, to our knowledge, has not been reported in the medical literature or the ClinVar database. This variant is only observed on 26/1,613,888 alleles in the general population (gnomAD v4.1.1), indicating it is not a common variant. Computational predictors suggest that the variant does not impact PTPN14 function. Due to limited information, and based on ACMG/AMP guidelines for variant interpretation (Richards S et al., PMID: 25741868), the clinical significance of this variant is uncertain at this time.

NM_005401.5(PTPN14):c.1193A>G (p.Asn398Ser)

Gene: PTPN14 (protein tyrosine phosphatase non-receptor type 14; minus strand). Cytogenetic location: 1q32.3.
Variant type: single nucleotide variant.
Coding change: c.1193A>G on transcript NM_005401.5 (MANE Select); coding-DNA position 1193, A replaced by G.
Protein change: p.Asn398Ser; replaces asparagine 398 with serine.
Molecular consequence: missense variant.
Genome position (GRCh38, 1-based): chr1:214,384,662, T>C on the plus strand (A>G on the coding strand, the complement: PTPN14 is on the minus strand). VCF-style: chr1-214384662-T-C. GRCh37 (hg19) VCF-style: chr1-214558005-T-C.
Other names: short protein forms N398S.
Identifiers: ClinVar variation 4974645 (VCV004974645.1).